The following is an entry in ClinVar:

NM_017637.6(BNC2):c.2021dup (p.Asn674fs)

Genes: BNC2 (basonuclin zinc finger protein 2; minus strand), LOC126860585 (MED14-independent group 3 enhancer GRCh37_chr9:16435259-16436458; plus strand). Cytogenetic location: 9p22.3.
Variant type: Duplication.
Coding change: c.2021dup on transcript NM_017637.6 (MANE Select); coding-DNA position 2021, one base duplicated (A; older notation c.2021dupA).
Protein change: p.Asn674fs; shifts the reading frame from asparagine 674.
Molecular consequence: frameshift variant.
Genome position (GRCh38, 1-based): chr9:16,436,173, T duplicated on the plus strand (A on the coding strand, the reverse complement: BNC2 is on the minus strand); the first of 2 consecutive T bases (chr9:16,436,173-16,436,174); duplicating either gives the same sequence. VCF-style (leftmost placement, unchanged base first): chr9-16436172-A-AT. GRCh37 (hg19) VCF-style: chr9-16436170-A-AT.
Other names: c.1895dup, p.Asn632fs (NM_001317939.2); c.1736dup, p.Asn579fs (NM_001317940.2); short protein forms N674fs, N579fs, N632fs.
Identifiers: ClinVar variation 3652417 (VCV003652417.2).
Genomic context (GRCh38, chr9:16,436,172, plus strand): 5'-ATGCTTAGAAAAGTCCTTCACAGACATGCCTGGGCTCATCTCCTCTTGGGAGTGACAATG[A>AT]TTGTCATGGCTCATGTCATTGACCACAGCTCCACCATCATTGGGGTCATCATCTTCATCA-3'

ClinVar aggregate classification (germline): Uncertain significance (1 of 4 stars; one submission).

Submission:

Labcorp Genetics (formerly Invitae), Labcorp
Classification: Uncertain significance. Last evaluated: 2024-05-27. Review status: criteria provided, single submitter. Criteria: Invitae Variant Classification Sherloc (09022015). Collection method: clinical testing. Allele origin: germline.
Comment: This sequence change creates a premature translational stop signal (p.Asn674Lysfs*20) in the BNC2 gene. It is expected to result in an absent or disrupted protein product. However, the current clinical and genetic evidence is not sufficient to establish whether loss-of-function variants in BNC2 cause disease. This variant is not present in population databases (gnomAD no frequency). This variant has not been reported in the literature in individuals affected with BNC2-related conditions. In summary, the available evidence is currently insufficient to determine the role of this variant in disease. Therefore, it has been classified as a Variant of Uncertain Significance.